The following is an entry in ClinVar:

NM_014974.3(DIP2C):c.3382C>G (p.Pro1128Ala)

Genes: DIP2C (DIP2 acetate--CoA ligase C (putative); minus strand), LOC126860805 (BRD4-independent group 4 enhancer GRCh37_chr10:390524-391723; plus strand). Cytogenetic location: 10p15.3.
Variant type: single nucleotide variant.
Coding change: c.3382C>G on transcript NM_014974.3 (MANE Select); coding-DNA position 3382, C replaced by G.
Protein change: p.Pro1128Ala; replaces proline 1128 with alanine.
Molecular consequence: missense variant.
Genome position (GRCh38, 1-based): chr10:344,880, G>C on the plus strand (C>G on the coding strand, the complement: DIP2C is on the minus strand). VCF-style: chr10-344880-G-C. GRCh37 (hg19) VCF-style: chr10-390820-G-C.
Other names: short protein forms P1128A.
Identifiers: ClinVar variation 3573873 (VCV003573873.2).

ClinVar aggregate classification (germline): Uncertain significance (1 of 4 stars; one submission).

Submission:

GeneDx
Classification: Uncertain significance. Last evaluated: 2025-02-03. Review status: criteria provided, single submitter. Criteria: GeneDx Variant Classification Process June 2021. Collection method: clinical testing. Allele origin: germline.
Comment: Not observed at significant frequency in large population cohorts (gnomAD); In silico analysis supports that this missense variant has a deleterious effect on protein structure/function; Has not been previously published as pathogenic or benign to our knowledge